The following is an entry in ClinVar:

NM_014314.4(RIGI):c.1555G>A (p.Ala519Thr)

Gene: RIGI (RNA sensor RIG-I; minus strand). Cytogenetic location: 9p21.1.
Variant type: single nucleotide variant.
Coding change: c.1555G>A on transcript NM_014314.4 (MANE Select); coding-DNA position 1555, G replaced by A.
Protein change: p.Ala519Thr; replaces alanine 519 with threonine.
Molecular consequence: missense variant.
Genome position (GRCh38, 1-based): chr9:32,481,423, C>T on the plus strand (G>A on the coding strand, the complement: RIGI is on the minus strand). VCF-style: chr9-32481423-C-T. GRCh37 (hg19) VCF-style: chr9-32481421-C-T.
Other names: c.1549G>A, p.Ala517Thr (NM_001385907.1); c.1555G>A, p.Ala519Thr (NM_001385909.1); c.1114G>A, p.Ala372Thr (NM_001385910.1); c.946G>A, p.Ala316Thr (NM_001385912.1); c.1540G>A, p.Ala514Thr (NM_001385913.1); c.1111G>A, p.Ala371Thr (NM_001385914.1); short protein forms A519T, A372T, A371T, A514T, A316T, A517T.
Identifiers: ClinVar variation 2844790 (VCV002844790.3), dbSNP rs2489319967, ClinGen allele CA373152952.

ClinVar aggregate classification (germline): Uncertain significance (1 of 4 stars; one submission).

Submission:

Labcorp Genetics (formerly Invitae), Labcorp
Classification: Uncertain significance. Last evaluated: 2024-07-31. Review status: criteria provided, single submitter. Criteria: Invitae Variant Classification Sherloc (09022015). Collection method: clinical testing. Allele origin: germline.
Comment: This sequence change replaces alanine, which is neutral and non-polar, with threonine, which is neutral and polar, at codon 519 of the DDX58 protein (p.Ala519Thr). This variant is not present in population databases (gnomAD no frequency). This variant has not been reported in the literature in individuals affected with DDX58-related conditions. Advanced modeling of protein sequence and biophysical properties (such as structural, functional, and spatial information, amino acid conservation, physicochemical variation, residue mobility, and thermodynamic stability) performed at Invitae indicates that this missense variant is not expected to disrupt DDX58 protein function with a negative predictive value of 80%. In summary, the available evidence is currently insufficient to determine the role of this variant in disease. Therefore, it has been classified as a Variant of Uncertain Significance.